The following is an entry in ClinVar:

NM_001369.3(DNAH5):c.12905T>C (p.Ile4302Thr)

Gene: DNAH5 (dynein axonemal heavy chain 5; minus strand). Cytogenetic location: 5p15.2.
Variant type: single nucleotide variant.
Coding change: c.12905T>C on transcript NM_001369.3 (MANE Select); coding-DNA position 12905, T replaced by C.
Protein change: p.Ile4302Thr; replaces isoleucine 4302 with threonine.
Molecular consequence: missense variant.
Genome position (GRCh38, 1-based): chr5:13,716,491, A>G on the plus strand (T>C on the coding strand, the complement: DNAH5 is on the minus strand). VCF-style: chr5-13716491-A-G. GRCh37 (hg19) VCF-style: chr5-13716600-A-G.
Other names: short protein forms I4302T.
Identifiers: ClinVar variation 4748010 (VCV004748010.1).

ClinVar aggregate classification (germline): Uncertain significance (1 of 4 stars; one submission).

Conditions:
Primary ciliary dyskinesia. Also called: Ciliary dyskinesia. Identifiers: Orphanet 244, MedGen C0008780, MONDO:0016575, HP:0012265.

gnomAD v4.1: 2 of 1,612,820 alleles (0.00012%); highest among the groups gnomAD compares: Non-Finnish European, 0.00017%; no homozygotes.

Submission:

Labcorp Genetics (formerly Invitae), Labcorp
Classification: Uncertain significance for Primary ciliary dyskinesia. Last evaluated: 2025-12-01. Review status: criteria provided, single submitter. Criteria: Invitae Variant Classification Sherloc (09022015). Collection method: clinical testing. Allele origin: germline.
Comment: This sequence change replaces isoleucine, which is neutral and non-polar, with threonine, which is neutral and polar, at codon 4302 of the DNAH5 protein (p.Ile4302Thr). This variant is not present in population databases (gnomAD no frequency). This variant has not been reported in the literature in individuals affected with DNAH5-related conditions. Invitae Evidence Modeling of protein sequence and biophysical properties (such as structural, functional, and spatial information, amino acid conservation, physicochemical variation, residue mobility, and thermodynamic stability) indicates that this missense variant is not expected to disrupt DNAH5 protein function with a negative predictive value of 95%. In summary, the available evidence is currently insufficient to determine the role of this variant in disease. Therefore, it has been classified as a Variant of Uncertain Significance.